The following is an entry in ClinVar:

NM_145868.2(ANXA11):c.6C>G (p.Ser2Arg)

Gene: ANXA11 (annexin A11; minus strand). Cytogenetic location: 10q22.3.
Variant type: single nucleotide variant.
Coding change: c.6C>G on transcript NM_145868.2 (MANE Select); coding-DNA position 6, C replaced by G.
Protein change: p.Ser2Arg; replaces serine 2 with arginine.
Molecular consequence: missense variant. On other transcripts: 5 prime UTR variant (1).
Genome position (GRCh38, 1-based): chr10:80,172,856, G>C on the plus strand (C>G on the coding strand, the complement: ANXA11 is on the minus strand). VCF-style: chr10-80172856-G-C. GRCh37 (hg19) VCF-style: chr10-81932612-G-C.
Other names: c.6C>G, p.Ser2Arg (NM_001157.3, NM_001278407.2, NM_001278408.2 and 1 more transcripts); c.-363C>G (NM_001278409.2); short protein forms S2R.
Identifiers: ClinVar variation 1348576 (VCV001348576.8), dbSNP rs1242495944, ClinGen allele CA377369049.

ClinVar aggregate classification (germline): Uncertain significance (1 of 4 stars; one submission).

Allele frequency attached by ClinVar (database versions not stated): TOPMed below 0.00001; gnomAD 0.00001.
gnomAD v4.1: 1 of 1,613,876 alleles (0.000062%); highest among the groups gnomAD compares: Non-Finnish European, 0.000085%; no homozygotes.

Submission:

Labcorp Genetics (formerly Invitae), Labcorp
Classification: Uncertain significance. Last evaluated: 2022-11-08. Review status: criteria provided, single submitter. Criteria: Invitae Variant Classification Sherloc (09022015). Collection method: clinical testing. Allele origin: germline.
Comment: In summary, the available evidence is currently insufficient to determine the role of this variant in disease. Therefore, it has been classified as a Variant of Uncertain Significance. Algorithms developed to predict the effect of missense changes on protein structure and function are either unavailable or do not agree on the potential impact of this missense change (SIFT: "Deleterious"; PolyPhen-2: "Not Available"; Align-GVGD: "Class C0"). ClinVar contains an entry for this variant (Variation ID: 1348576). This variant has not been reported in the literature in individuals affected with ANXA11-related conditions. This variant is not present in population databases (gnomAD no frequency). This sequence change replaces serine, which is neutral and polar, with arginine, which is basic and polar, at codon 2 of the ANXA11 protein (p.Ser2Arg).